The following is an entry in ClinVar:

ClinVar aggregate classification (germline): Uncertain significance. Review status: criteria provided, multiple submitters, no conflicts (2 of 4 stars). 5 submissions from 5 submitters: Uncertain significance (5). Last evaluated 2024-04-24.

Conditions:
Inborn genetic diseases. Identifiers: MedGen C0950123, MeSH D030342.
Donnai-Barrow syndrome. Also called: DBS/FOAR SYNDROME; FACIOOCULOACOUSTICORENAL SYNDROME. Identifiers: Orphanet 2143, MedGen C1857277, MONDO:0009104, OMIM 222448.

Allele frequency attached by ClinVar (database versions not stated): gnomAD 0.00001; ExAC 0.00003; gnomAD exomes 0.00003 and 0.00007; TOPMed 0.00005.
gnomAD v4.1: 21 of 1,614,070 alleles (0.0013%); highest among the groups gnomAD compares: Admixed American, 0.033%; no homozygotes.

Submissions (5):

Ambry Genetics
Classification: Uncertain significance for Inborn genetic diseases. Last evaluated: 2024-04-24. Review status: criteria provided, single submitter. Criteria: Ambry Variant Classification Scheme 2023. Collection method: clinical testing. Allele origin: germline.

Labcorp Genetics (formerly Invitae), Labcorp
Classification: Uncertain significance. Last evaluated: 2022-10-05. Review status: criteria provided, single submitter. Criteria: Invitae Variant Classification Sherloc (09022015). Collection method: clinical testing. Allele origin: germline.
Comment: This sequence change replaces isoleucine, which is neutral and non-polar, with threonine, which is neutral and polar, at codon 1201 of the LRP2 protein (p.Ile1201Thr). This variant is present in population databases (rs767986542, gnomAD 0.04%). This variant has not been reported in the literature in individuals affected with LRP2-related conditions. ClinVar contains an entry for this variant (Variation ID: 1312835). Advanced modeling of protein sequence and biophysical properties (such as structural, functional, and spatial information, amino acid conservation, physicochemical variation, residue mobility, and thermodynamic stability) performed at Invitae indicates that this missense variant is expected to disrupt LRP2 protein function. In summary, the available evidence is currently insufficient to determine the role of this variant in disease. Therefore, it has been classified as a Variant of Uncertain Significance.

Blueprint Genetics
Classification: Uncertain significance. Last evaluated: 2022-06-16. Review status: criteria provided, single submitter. Criteria: ACMG Guidelines, 2015. Collection method: clinical testing. Allele origin: germline.

GeneDx
Classification: Uncertain significance. Last evaluated: 2022-05-23. Review status: criteria provided, single submitter. Criteria: GeneDx Variant Classification Process June 2021. Collection method: clinical testing. Allele origin: germline. Affected: yes.
Comment: In silico analysis supports that this missense variant has a deleterious effect on protein structure/function; Has not been previously published as pathogenic or benign to our knowledge

Fulgent Genetics
Classification: Uncertain significance for Donnai-Barrow syndrome. Last evaluated: 2022-03-23. Review status: criteria provided, single submitter. Criteria: ACMG Guidelines, 2015. Collection method: clinical testing. Allele origin: unknown.

NM_004525.3(LRP2):c.3602T>C (p.Ile1201Thr)

Gene: LRP2 (LDL receptor related protein 2; minus strand). Cytogenetic location: 2q31.1.
Variant type: single nucleotide variant.
Coding change: c.3602T>C on transcript NM_004525.3 (MANE Select); coding-DNA position 3602, T replaced by C.
Protein change: p.Ile1201Thr; replaces isoleucine 1201 with threonine.
Molecular consequence: missense variant.
Genome position (GRCh38, 1-based): chr2:169,243,021, A>G on the plus strand (T>C on the coding strand, the complement: LRP2 is on the minus strand). VCF-style: chr2-169243021-A-G. GRCh37 (hg19) VCF-style: chr2-170099531-A-G.
Other names: short protein forms I1201T.
Identifiers: ClinVar variation 1312835 (VCV001312835.8), dbSNP rs767986542, ClinGen allele CA1954991.